The following is an entry in ClinVar:

ClinVar aggregate classification (germline): Uncertain significance. Review status: criteria provided, multiple submitters, no conflicts (2 of 4 stars). 2 submissions from 2 submitters: Uncertain significance (2). Last evaluated 2025-06-01.

Conditions:
Inborn genetic diseases. Identifiers: MedGen C0950123, MeSH D030342.

Submissions (2):

CeGaT Center for Human Genetics Tuebingen
Classification: Uncertain significance. Last evaluated: 2025-06-01. Review status: criteria provided, single submitter. Criteria: CeGaT Center For Human Genetics Tuebingen Variant Classification Criteria Version 2. Collection method: clinical testing. Allele origin: germline. Affected: yes. Observed: 1 variant allele.
Comment: AARS2: PM2, PP3

Ambry Genetics
Classification: Uncertain significance for Inborn genetic diseases. Last evaluated: 2024-04-12. Review status: criteria provided, single submitter. Criteria: Ambry Variant Classification Scheme 2023. Collection method: clinical testing. Allele origin: germline.

NM_020745.4(AARS2):c.419G>A (p.Gly140Glu)

Gene: AARS2 (alanyl-tRNA synthetase 2, mitochondrial; minus strand). Cytogenetic location: 6p21.1.
Variant type: single nucleotide variant.
Coding change: c.419G>A on transcript NM_020745.4 (MANE Select); coding-DNA position 419, G replaced by A.
Protein change: p.Gly140Glu; replaces glycine 140 with glutamic acid.
Molecular consequence: missense variant.
Genome position (GRCh38, 1-based): chr6:44,312,088, C>T on the plus strand (G>A on the coding strand, the complement: AARS2 is on the minus strand). VCF-style: chr6-44312088-C-T. GRCh37 (hg19) VCF-style: chr6-44279825-C-T.
Other names: short protein forms G140E.
Identifiers: ClinVar variation 3261794 (VCV003261794.11).